The following is an entry in ClinVar:

ClinVar aggregate classification (germline): Uncertain significance (1 of 4 stars; one submission).

Conditions:
Emery-Dreifuss muscular dystrophy 5, autosomal dominant (EDMD5). Also called: EMERY-DREIFUSS MUSCULAR DYSTROPHY 5. Identifiers: Orphanet 261, MedGen C2751805, MONDO:0013072, OMIM 612999.

gnomAD v4.1: 1 of 1,612,886 alleles (0.000062%); highest among the groups gnomAD compares: South Asian, 0.0011%; no homozygotes.

Submission:

Labcorp Genetics (formerly Invitae), Labcorp
Classification: Uncertain significance for Emery-Dreifuss muscular dystrophy 5, autosomal dominant. Last evaluated: 2022-03-18. Review status: criteria provided, single submitter. Criteria: Invitae Variant Classification Sherloc (09022015). Collection method: clinical testing. Allele origin: germline.
Comment: In summary, the available evidence is currently insufficient to determine the role of this variant in disease. Therefore, it has been classified as a Variant of Uncertain Significance. Algorithms developed to predict the effect of missense changes on protein structure and function output the following: SIFT: "Tolerated"; PolyPhen-2: "Benign"; Align-GVGD: "Class C0". The tyrosine amino acid residue is found in multiple mammalian species, which suggests that this missense change does not adversely affect protein function. This variant has not been reported in the literature in individuals affected with SYNE2-related conditions. This variant is not present in population databases (gnomAD no frequency). This sequence change replaces cysteine, which is neutral and slightly polar, with tyrosine, which is neutral and polar, at codon 2945 of the SYNE2 protein (p.Cys2945Tyr).

NM_182914.3(SYNE2):c.8834G>A (p.Cys2945Tyr)

Gene: SYNE2 (spectrin repeat containing nuclear envelope protein 2; plus strand). Cytogenetic location: 14q23.2.
Variant type: single nucleotide variant.
Coding change: c.8834G>A on transcript NM_182914.3 (MANE Select); coding-DNA position 8834, G replaced by A.
Protein change: p.Cys2945Tyr; replaces cysteine 2945 with tyrosine.
Molecular consequence: missense variant.
Genome position (GRCh38, 1-based): chr14:64,052,747, G>A. VCF-style: chr14-64052747-G-A. GRCh37 (hg19) VCF-style: chr14-64519465-G-A.
Other names: c.8834G>A, p.Cys2945Tyr (NM_015180.6); short protein forms C2945Y.
Identifiers: ClinVar variation 1942378 (VCV001942378.5), dbSNP rs2548325968, ClinGen allele CA389971792.